The following is an entry in ClinVar:

ClinVar aggregate classification (germline): Uncertain significance (1 of 4 stars; one submission).

Conditions:
NOVA2-related disorder. Also called: NOVA2-related condition.

Submission:

PreventionGenetics, part of Exact Sciences
Classification: Uncertain significance for NOVA2-related condition. Last evaluated: 2025-01-29. Review status: criteria provided, single submitter. Criteria: ACMG Guidelines, 2015. Collection method: clinical testing. Allele origin: germline.
Comment: The NOVA2 c.852C>G variant is predicted to result in the amino acid substitution p.Asn284Lys. To our knowledge, this variant has not been reported in the literature or in a large population database (gnomAD), indicating this variant is rare. At this time, the clinical significance of this variant is uncertain due to the absence of conclusive functional and genetic evidence.

NM_002516.4(NOVA2):c.852C>G (p.Asn284Lys)

Gene: NOVA2 (NOVA alternative splicing regulator 2; minus strand). Cytogenetic location: 19q13.32.
Variant type: single nucleotide variant.
Coding change: c.852C>G on transcript NM_002516.4 (MANE Select); coding-DNA position 852, C replaced by G.
Protein change: p.Asn284Lys; replaces asparagine 284 with lysine.
Molecular consequence: missense variant.
Genome position (GRCh38, 1-based): chr19:45,940,490, G>C on the plus strand (C>G on the coding strand, the complement: NOVA2 is on the minus strand). VCF-style: chr19-45940490-G-C. GRCh37 (hg19) VCF-style: chr19-46443748-G-C.
Other names: short protein forms N284K.
Identifiers: ClinVar variation 4998220 (VCV004998220.1).
Genomic context (GRCh38, chr19:45,940,490, plus strand): 5'-TGCGGCCGAGTTGAGGCCCAGGCCCAGGGAGTTGGTGTTGTAGCCGTAACTTGCCAGCGT[G>C]TTAAGCGCCGTGCTGATGGCCAGCAGGTCGGTGCCTGAGAAGGCGGGCAGCGCGGCGGGA-3'
Protein context (NP_002507.1, residues 274-294): TDLLAISTAL[Asn284Lys]TLASYGYNTN